The following is an entry in ClinVar:

ClinVar aggregate classification (germline): Uncertain significance (1 of 4 stars; one submission).

gnomAD v4.1: 14 of 1,614,108 alleles (0.00087%); highest among the groups gnomAD compares: Admixed American, 0.0033%; no homozygotes.

Submission:

Labcorp Genetics (formerly Invitae), Labcorp
Classification: Uncertain significance. Last evaluated: 2024-10-24. Review status: criteria provided, single submitter. Criteria: Invitae Variant Classification Sherloc (09022015). Collection method: clinical testing. Allele origin: germline.
Comment: This sequence change replaces alanine, which is neutral and non-polar, with serine, which is neutral and polar, at codon 803 of the HSPG2 protein (p.Ala803Ser). This variant is present in population databases (no rsID available, gnomAD 0.0009%). This variant has not been reported in the literature in individuals affected with HSPG2-related conditions. An algorithm developed to predict the effect of missense changes on protein structure and function (PolyPhen-2) suggests that this variant is likely to be disruptive. In summary, the available evidence is currently insufficient to determine the role of this variant in disease. Therefore, it has been classified as a Variant of Uncertain Significance.

NM_005529.7(HSPG2):c.2407G>T (p.Ala803Ser)

Gene: HSPG2 (heparan sulfate proteoglycan 2; minus strand). Cytogenetic location: 1p36.12.
Variant type: single nucleotide variant.
Coding change: c.2407G>T on transcript NM_005529.7 (MANE Select); coding-DNA position 2407, G replaced by T.
Protein change: p.Ala803Ser; replaces alanine 803 with serine.
Molecular consequence: missense variant.
Genome position (GRCh38, 1-based): chr1:21,879,058, C>A on the plus strand (G>T on the coding strand, the complement: HSPG2 is on the minus strand). VCF-style: chr1-21879058-C-A. GRCh37 (hg19) VCF-style: chr1-22205551-C-A.
Other names: c.2410G>T, p.Ala804Ser (NM_001291860.2); short protein forms A803S, A804S.
Identifiers: ClinVar variation 3015331 (VCV003015331.3), dbSNP rs574665436, ClinGen allele CA338964919.